The following is an entry in ClinVar:

NM_001131034.4(RNF212):c.247-2639A>G

Gene: RNF212 (ring finger protein 212; minus strand). Cytogenetic location: 4p16.3.
Variant type: single nucleotide variant.
Coding change: c.247-2639A>G on transcript NM_001131034.4 (MANE Select); 2639 bases into the intron before coding-DNA position 247, A replaced by G.
Molecular consequence: intron variant. On other transcripts: missense variant (1).
Genome position (GRCh38, 1-based): chr4:1,093,477, T>C on the plus strand (A>G on the coding strand, the complement: RNF212 is on the minus strand). VCF-style: chr4-1093477-T-C. GRCh37 (hg19) VCF-style: chr4-1087265-T-C.
Other names: c.784A>G, p.Ile262Val (NM_001193318.3); c.247-2639A>G (NM_001366918.1, NM_001366919.1, NM_194439.5); short protein forms I262V.
Identifiers: ClinVar variation 1222937 (VCV001222937.4), dbSNP rs1670534, ClinGen allele CA2803452.

ClinVar aggregate classification (germline): Benign. Review status: criteria provided, multiple submitters, no conflicts (2 of 4 stars). 2 submissions from 2 submitters: Benign (2). Last evaluated 2019-04-19.

Allele frequency attached by ClinVar (database versions not stated): gnomAD exomes 0.71210 and 0.77240; ExAC 0.74974; 1000 Genomes Project 0.77576; 1000 Genomes Project 30x 0.77920; TOPMed 0.80831; gnomAD 0.81420 and 0.82011.
gnomAD v4.1: 1,125,410 of 1,449,300 alleles (78%); highest among the groups gnomAD compares: African/African-American, 95%; 440,015 homozygotes.

Submissions (2):

GeneDx
Classification: Benign. Last evaluated: 2019-04-19. Review status: criteria provided, single submitter. Criteria: GeneDx Variant Classification Process June 2021. Collection method: clinical testing. Allele origin: germline. Affected: yes.
Comment: This variant is associated with the following publications: (PMID: 30679340)

Breakthrough Genomics
Classification: Benign. Review status: criteria provided, single submitter. Criteria: ACMG Guidelines, 2015. Collection method: not provided. Allele origin: germline. Inheritance: Autosomal recessive inheritance. Affected: yes.